The following is an entry in ClinVar:

ClinVar aggregate classification (germline): Uncertain significance (1 of 4 stars; one submission).

Allele frequency attached by ClinVar (database versions not stated): TOPMed 0.00001.
gnomAD v4.1: 3 of 1,614,092 alleles (0.00019%); highest among the groups gnomAD compares: South Asian, 0.0011%; no homozygotes.

Submission:

Labcorp Genetics (formerly Invitae), Labcorp
Classification: Uncertain significance. Last evaluated: 2025-10-25. Review status: criteria provided, single submitter. Criteria: Invitae Variant Classification Sherloc (09022015). Collection method: clinical testing. Allele origin: germline.
Comment: This sequence change replaces alanine, which is neutral and non-polar, with proline, which is neutral and non-polar, at codon 162 of the NFE2L2 protein (p.Ala162Pro). This variant is not present in population databases (gnomAD no frequency). This variant has not been reported in the literature in individuals affected with NFE2L2-related conditions. ClinVar contains an entry for this variant (Variation ID: 1488456). Invitae Evidence Modeling of protein sequence and biophysical properties (such as structural, functional, and spatial information, amino acid conservation, physicochemical variation, residue mobility, and thermodynamic stability) indicates that this missense variant is not expected to disrupt NFE2L2 protein function with a negative predictive value of 80%. In summary, the available evidence is currently insufficient to determine the role of this variant in disease. Therefore, it has been classified as a Variant of Uncertain Significance.

NM_006164.5(NFE2L2):c.484G>C (p.Ala162Pro)

Gene: NFE2L2 (NFE2 like bZIP transcription factor 2; minus strand). Cytogenetic location: 2q31.2.
Variant type: single nucleotide variant.
Coding change: c.484G>C on transcript NM_006164.5 (MANE Select); coding-DNA position 484, G replaced by C.
Protein change: p.Ala162Pro; replaces alanine 162 with proline.
Molecular consequence: missense variant.
Genome position (GRCh38, 1-based): chr2:177,232,502, C>G on the plus strand (G>C on the coding strand, the complement: NFE2L2 is on the minus strand). VCF-style: chr2-177232502-C-G. GRCh37 (hg19) VCF-style: chr2-178097230-C-G.
Other names: c.436G>C, p.Ala146Pro (NM_001145412.3, NM_001313900.1, NM_001313901.1); c.415G>C, p.Ala139Pro (NM_001145413.3); c.394G>C, p.Ala132Pro (NM_001313902.2); c.265G>C, p.Ala89Pro (NM_001313903.2); c.184G>C, p.Ala62Pro (NM_001313904.1); short protein forms A162P, A89P, A139P, A62P, A132P, A146P.
Identifiers: ClinVar variation 1488456 (VCV001488456.8), dbSNP rs1689589723, ClinGen allele CA349376405.